The following is an entry in ClinVar:

NM_001013703.4(EIF2AK4):c.1351G>A (p.Ala451Thr)

Gene: EIF2AK4 (eukaryotic translation initiation factor 2 alpha kinase 4; plus strand). Cytogenetic location: 15q15.1.
Variant type: single nucleotide variant.
Coding change: c.1351G>A on transcript NM_001013703.4 (MANE Select); coding-DNA position 1351, G replaced by A.
Protein change: p.Ala451Thr; replaces alanine 451 with threonine.
Molecular consequence: missense variant.
Genome position (GRCh38, 1-based): chr15:39,967,677, G>A. VCF-style: chr15-39967677-G-A. GRCh37 (hg19) VCF-style: chr15-40259878-G-A.
Other names: c.1351G>A (NM_001013703.3); short protein forms A451T.
Identifiers: ClinVar variation 3087873 (VCV003087873.3), dbSNP rs762358873, ClinGen allele CA7473763.
Genomic context (GRCh38, chr15:39,967,677, plus strand): 5'-GTCTTGGTGGATGCAGAAGGCACCGTCAAGATTACGGACTATAGCATTTCTAAGCGCCTC[G>A]CAGACATTTGCAAGGAGGATGTGTTTGAGCAAACCCGAGTTCGTTTTAGTGACAATGCTC-3'
Protein context (NP_001013725.2, residues 441-461): ITDYSISKRL[Ala451Thr]DICKEDVFEQ

ClinVar aggregate classification (germline): Uncertain significance. Review status: criteria provided, single submitter (1 of 4 stars). 2 submissions from 2 submitters: Uncertain significance (1). 1 of the submissions does not count toward it. Last evaluated 2025-12-17.

Conditions:
EIF2AK4-related disorder. Also called: EIF2AK4-related condition.
Inborn genetic diseases. Identifiers: MedGen C0950123, MeSH D030342.

Allele frequency attached by ClinVar (database versions not stated): TOPMed 0.00001; ExAC 0.00003; gnomAD 0.00003.
gnomAD v4.1: 49 of 1,614,036 alleles (0.003%); highest among the groups gnomAD compares: South Asian, 0.025%; no homozygotes.

Submissions (2):

Ambry Genetics
Classification: Uncertain significance for Inborn genetic diseases. Last evaluated: 2025-12-17. Review status: criteria provided, single submitter. Criteria: Ambry Variant Classification Scheme 2023. Collection method: clinical testing. Allele origin: germline.

PreventionGenetics, part of Exact Sciences
Classification: Uncertain significance for EIF2AK4-related condition. Last evaluated: 2024-09-22. Review status: no assertion criteria provided. Collection method: clinical testing. Allele origin: germline. Not counted in ClinVar's aggregate classification.
Comment: The EIF2AK4 c.1351G>A variant is predicted to result in the amino acid substitution p.Ala451Thr. To our knowledge, this variant has not been reported in the literature. This variant is reported in 0.016% of alleles in individuals of South Asian descent in gnomAD. At this time, the clinical significance of this variant is uncertain due to the absence of conclusive functional and genetic evidence.